The following is an entry in ClinVar:

NM_001080488.2(ONECUT3):c.273A>C (p.Ala91=)

Gene: ONECUT3 (one cut homeobox 3; plus strand). Cytogenetic location: 19p13.3.
Variant type: single nucleotide variant.
Coding change: c.273A>C on transcript NM_001080488.2 (MANE Select); coding-DNA position 273, A replaced by C.
Protein change: p.Ala91=; no amino-acid change (alanine 91 retained).
Molecular consequence: synonymous variant.
Genome position (GRCh38, 1-based): chr19:1,753,935, A>C. VCF-style: chr19-1753935-A-C. GRCh37 (hg19) VCF-style: chr19-1753934-A-C.
Identifiers: ClinVar variation 4872319 (VCV004872319.2).
Genomic context (GRCh38, chr19:1,753,935, plus strand): 5'-GGGCAGCGCGGGCGGCGGCGCGGACTTCCGCGGGGAACTGGCGGGCCCGCTGCACCCGGC[A>C]ATGGGCATGGCCTGCGAGGCGCCGGGCCTGGGCGGCACCTACACGACGCTCACGCCCCTG-3'
Protein context (NP_001073957.1, residues 81-101): RGELAGPLHP[Ala91=]MGMACEAPGL

ClinVar aggregate classification (germline): Likely benign (1 of 4 stars; one submission).

Submission:

CeGaT Center for Human Genetics Tuebingen
Classification: Likely benign. Last evaluated: 2026-05-01. Review status: criteria provided, single submitter. Criteria: CeGaT Center For Human Genetics Tuebingen Variant Classification Criteria Version 2. Collection method: clinical testing. Allele origin: germline. Affected: yes. Observed: 1 variant allele.
Comment: ONECUT3: PM2:Supporting, BP4, BP7